The following is an entry in ClinVar:

NM_004646.4(NPHS1):c.3554C>T (p.Pro1185Leu)

Gene: NPHS1 (NPHS1 adhesion molecule, nephrin; minus strand). Cytogenetic location: 19q13.12.
Variant type: single nucleotide variant.
Coding change: c.3554C>T on transcript NM_004646.4 (MANE Select); coding-DNA position 3554, C replaced by T.
Protein change: p.Pro1185Leu; replaces proline 1185 with leucine.
Molecular consequence: missense variant.
Genome position (GRCh38, 1-based): chr19:35,830,884, G>A on the plus strand (C>T on the coding strand, the complement: NPHS1 is on the minus strand). VCF-style: chr19-35830884-G-A. GRCh37 (hg19) VCF-style: chr19-36321786-G-A.
Other names: short protein forms P1185L.
Identifiers: ClinVar variation 2079186 (VCV002079186.6), dbSNP rs555255264, ClinGen allele CA9389714.
Genomic context (GRCh38, chr19:35,830,884, plus strand): 5'-GCTGATGCAAAGCTTCTCACCATCTGCACTTCATCGTAGAGGGGTCCCCAGGCTCCAGAC[G>A]GGGGGTACGTTCTTTCTACCTCATCATACAAGTGCCCAGGGAAGGCCATATCCTCATCTT-3'
Protein context (NP_004637.1, residues 1175-1195): LYDEVERTYP[Pro1185Leu]SGAWGPLYDE

ClinVar aggregate classification (germline): Conflicting classifications of pathogenicity. Review status: criteria provided, conflicting classifications (1 of 4 stars). 3 submissions from 3 submitters: Uncertain significance (2); Likely benign (1). Last evaluated 2025-11-25.

Conditions:
Inborn genetic diseases. Identifiers: MedGen C0950123, MeSH D030342.
Finnish congenital nephrotic syndrome (NPHS1). Also called: NEPHROTIC SYNDROME, TYPE 1. Identifiers: Orphanet 839, MedGen C0403399, MONDO:0009732, OMIM 256300.

Allele frequency attached by ClinVar (database versions not stated): gnomAD 0.00003; TOPMed 0.00004; 1000 Genomes Project 30x 0.00016; 1000 Genomes Project 0.00020.
gnomAD v4.1: 34 of 1,612,786 alleles (0.0021%); highest among the groups gnomAD compares: South Asian, 0.024%; 1 homozygote.

Submissions (3):

Ambry Genetics
Classification: Uncertain significance for Inborn genetic diseases. Last evaluated: 2025-11-25. Review status: criteria provided, single submitter. Criteria: Ambry Variant Classification Scheme 2023. Collection method: clinical testing. Allele origin: germline.

Labcorp Genetics (formerly Invitae), Labcorp
Classification: Likely benign. Last evaluated: 2023-11-08. Review status: criteria provided, single submitter. Criteria: Invitae Variant Classification Sherloc (09022015). Collection method: clinical testing. Allele origin: germline.

Neuberg Centre For Genomic Medicine, NCGM
Classification: Uncertain significance for Finnish congenital nephrotic syndrome. Review status: criteria provided, single submitter. Criteria: ACMG Guidelines, 2015. Collection method: clinical testing. Allele origin: germline. Inheritance: Autosomal recessive inheritance. Affected: yes.
Comment: The missense variant c.3554C>T p.Pro1185Leu in the NPHS1 gene has not been reported previously as a pathogenic variant nor as a benign variant, to our knowledge. This variant is reported with the allele frequency 0.001% in the gnomAD Exomes and novel not in any individuals in 1000 Genomes. This variant has been reported to the ClinVar database as Likely Benign. However, no details are available for independent assessment. The amino acid Proline at position 1185 is changed to a Leucine changing protein sequence and it might alter its composition and physico- chemical properties. The amino acid change p.Pro1185Leu in NPHS1 is predicted as conserved by GERP++ and PhyloP across 100 vertebrates. For these reasons, this variant has been classified as Uncertain Significance.